The following is an entry in ClinVar:

NM_001852.4(COL9A2):c.1836G>A (p.Gly612=)

Gene: COL9A2 (collagen type IX alpha 2 chain; minus strand). Cytogenetic location: 1p34.2.
Variant type: single nucleotide variant.
Coding change: c.1836G>A on transcript NM_001852.4 (MANE Select); coding-DNA position 1836, G replaced by A.
Protein change: p.Gly612=; no amino-acid change (glycine 612 retained).
Molecular consequence: synonymous variant.
Genome position (GRCh38, 1-based): chr1:40,301,846, C>T on the plus strand (G>A on the coding strand, the complement: COL9A2 is on the minus strand). VCF-style: chr1-40301846-C-T. GRCh37 (hg19) VCF-style: chr1-40767518-C-T.
Other names: c.1836G>A (NM_001852.3).
Identifiers: ClinVar variation 1980065 (VCV001980065.6), dbSNP rs766758379, ClinGen allele CA21041105.

ClinVar aggregate classification (germline): Likely benign. Review status: criteria provided, multiple submitters, no conflicts (2 of 4 stars). 3 submissions from 3 submitters: Likely benign (3). Last evaluated 2026-03-19.

Conditions:
COL9A2-related disorder. Also called: COL9A2-related condition.

gnomAD v4.1: 5 of 1,614,084 alleles (0.00031%); highest among the groups gnomAD compares: African/African-American, 0.0027%; no homozygotes.

Submissions (3):

PreventionGenetics, part of Exact Sciences
Classification: Likely benign for COL9A2-related condition. Last evaluated: 2026-03-19. Review status: criteria provided, single submitter. Criteria: ACMG Guidelines, 2015. Collection method: clinical testing. Allele origin: germline.
Comment: This variant is classified as likely benign based on ACMG/AMP sequence variant interpretation guidelines (Richards et al. 2015 PMID: 25741868, with internal and published modifications).

Labcorp Genetics (formerly Invitae), Labcorp
Classification: Likely benign. Last evaluated: 2025-10-08. Review status: criteria provided, single submitter. Criteria: Invitae Variant Classification Sherloc (09022015). Collection method: clinical testing. Allele origin: germline.

Blueprint Genetics
Classification: Likely benign. Last evaluated: 2023-06-28. Review status: criteria provided, single submitter. Criteria: ACMG Guidelines, 2015. Collection method: clinical testing. Allele origin: germline.